The following is an entry in ClinVar:

ClinVar aggregate classification (germline): Uncertain significance (1 of 4 stars; one submission).

Conditions:
Hereditary cancer-predisposing syndrome. Also called: Neoplastic Syndromes, Hereditary; Hereditary Cancer Syndrome; Tumor predisposition; Hereditary neoplastic syndrome. Identifiers: Orphanet 140162, MedGen C0027672, MeSH D009386, MONDO:0015356.

Submission:

Ambry Genetics
Classification: Uncertain significance for Hereditary cancer-predisposing syndrome. Last evaluated: 2024-12-14. Review status: criteria provided, single submitter. Criteria: Ambry Variant Classification Scheme 2023. Collection method: clinical testing. Allele origin: germline.
Comment: The p.Q1440R variant (also known as c.4319A>G), located in coding exon 33 of the TSC2 gene, results from an A to G substitution at nucleotide position 4319. The glutamine at codon 1440 is replaced by arginine, an amino acid with highly similar properties. This amino acid position is conserved. In addition, the in silico prediction for this alteration is inconclusive. Based on the available evidence, the clinical significance of this variant remains unclear.

NM_000548.5(TSC2):c.4319A>G (p.Gln1440Arg)

Gene: TSC2 (TSC complex subunit 2; plus strand). Cytogenetic location: 16p13.3.
Variant type: single nucleotide variant.
Coding change: c.4319A>G on transcript NM_000548.5 (MANE Select); coding-DNA position 4319, A replaced by G.
Protein change: p.Gln1440Arg; replaces glutamine 1440 with arginine.
Molecular consequence: missense variant. On other transcripts: non-coding transcript variant (5).
Genome position (GRCh38, 1-based): chr16:2,084,541, A>G. VCF-style: chr16-2084541-A-G. GRCh37 (hg19) VCF-style: chr16-2134542-A-G.
Other names: c.4103A>G, p.Gln1368Arg (NM_001406675.1); c.4100A>G, p.Gln1367Arg (NM_001406676.1); c.4061A>G, p.Gln1354Arg (NM_001406677.1); c.4007A>G, p.Gln1336Arg (NM_001406678.1); c.3971A>G, p.Gln1324Arg (NM_001406679.1); c.3719A>G, p.Gln1240Arg (NM_001406680.1); c.3659A>G, p.Gln1220Arg (NM_001406681.1); c.3650A>G, p.Gln1217Arg (NM_001406682.1, NM_001406683.1); and 26 more; short protein forms Q1173R, Q1324R, Q1368R, Q1370R, Q1373R, Q1396R, Q1397R, Q1440R.
Identifiers: ClinVar variation 3811310 (VCV003811310.1).